The following is an entry in ClinVar:

NM_001077365.2(POMT1):c.2098G>T (p.Gly700Trp)

Gene: POMT1 (protein O-mannosyltransferase 1; plus strand). Cytogenetic location: 9q34.13.
Variant type: single nucleotide variant.
Coding change: c.2098G>T on transcript NM_001077365.2 (MANE Select); coding-DNA position 2098, G replaced by T.
Protein change: p.Gly700Trp; replaces glycine 700 with tryptophan.
Molecular consequence: missense variant. On other transcripts: non-coding transcript variant (10).
Genome position (GRCh38, 1-based): chr9:131,523,026, G>T. VCF-style: chr9-131523026-G-T. GRCh37 (hg19) VCF-style: chr9-134398413-G-T.
Other names: c.1936G>T, p.Gly646Trp (NM_001077366.2, NM_001353194.2); c.2098G>T, p.Gly700Trp (NM_001136113.2); c.1747G>T, p.Gly583Trp (NM_001136114.2, NM_001353195.2, NM_001374691.1 and 2 more transcripts); c.2164G>T, p.Gly722Trp (NM_001353193.2, NM_007171.4); c.2008G>T, p.Gly670Trp (NM_001353196.2); c.2002G>T, p.Gly668Trp (NM_001353197.2, NM_001353198.2); c.1813G>T, p.Gly605Trp (NM_001353199.2); c.1642G>T, p.Gly548Trp (NM_001353200.2); and 3 more; short protein forms G570W, G668W, G670W, G548W, G583W, G605W, G627W, G646W.
Identifiers: ClinVar variation 843477 (VCV000843477.8), dbSNP rs912556508, ClinGen allele CA200798364.

ClinVar aggregate classification (germline): Uncertain significance. Review status: criteria provided, multiple submitters, no conflicts (2 of 4 stars). 2 submissions from 2 submitters: Uncertain significance (2). Last evaluated 2025-02-05.

Conditions:
Walker-Warburg congenital muscular dystrophy. Also called: Muscular dystrophy-dystroglycanopathy, type A; Walker-Warburg syndrome. Identifiers: Orphanet 899, MedGen C0265221, MONDO:0000171.
Autosomal recessive limb-girdle muscular dystrophy type 2K. Also called: MUSCULAR DYSTROPHY, LIMB-GIRDLE, TYPE 2K; MUSCULAR DYSTROPHY-DYSTROGLYCANOPATHY (LIMB-GIRDLE), TYPE C, 1. Identifiers: Orphanet 86812, MedGen C1836373, MONDO:0012248, OMIM 609308.
Muscular dystrophy-dystroglycanopathy (congenital with impaired intellectual development), type B, 1. Also called: MUSCULAR DYSTROPHY, CONGENITAL, POMT1-RELATED; Muscular dystrophy-dystroglycanopathy (congenital with intellectual disability), type B1. Identifiers: MedGen C5436962, MONDO:0013159, OMIM 613155.

gnomAD v4.1: 1 of 1,610,636 alleles (0.000062%); no homozygotes.

Submissions (2):

Labcorp Genetics (formerly Invitae), Labcorp
Classification: Uncertain significance for Muscular dystrophy-dystroglycanopathy (congenital with impaired intellectual development), type B, 1; Walker-Warburg congenital muscular dystrophy; Autosomal recessive limb-girdle muscular dystrophy type 2K. Last evaluated: 2025-02-05. Review status: criteria provided, single submitter. Criteria: Invitae Variant Classification Sherloc (09022015). Collection method: clinical testing. Allele origin: germline.
Comment: This sequence change replaces glycine, which is neutral and non-polar, with tryptophan, which is neutral and slightly polar, at codon 722 of the POMT1 protein (p.Gly722Trp). This variant is not present in population databases (gnomAD no frequency). This variant has not been reported in the literature in individuals affected with POMT1-related conditions. ClinVar contains an entry for this variant (Variation ID: 843477). Invitae Evidence Modeling of protein sequence and biophysical properties (such as structural, functional, and spatial information, amino acid conservation, physicochemical variation, residue mobility, and thermodynamic stability) indicates that this missense variant is expected to disrupt POMT1 protein function with a positive predictive value of 95%. In summary, the available evidence is currently insufficient to determine the role of this variant in disease. Therefore, it has been classified as a Variant of Uncertain Significance.

GeneDx
Classification: Uncertain significance. Last evaluated: 2023-12-06. Review status: criteria provided, single submitter. Criteria: GeneDx Variant Classification Process June 2021. Collection method: clinical testing. Allele origin: germline. Affected: yes.
Comment: Not observed at significant frequency in large population cohorts (gnomAD); In silico analysis supports that this missense variant has a deleterious effect on protein structure/function; Has not been previously published as pathogenic or benign to our knowledge